The following is an entry in ClinVar:

NM_152618.3(BBS12):c.469_470del (p.Leu157fs)

Gene: BBS12 (Bardet-Biedl syndrome 12; plus strand). Cytogenetic location: 4q27.
Variant type: Deletion.
Coding change: c.469_470del on transcript NM_152618.3 (MANE Select); coding-DNA positions 469 to 470, 2 bases deleted (TT; older notation c.469_470delTT).
Protein change: p.Leu157fs; shifts the reading frame from leucine 157.
Molecular consequence: frameshift variant.
Genome position (GRCh38, 1-based): chr4:122,742,361-122,742,362, TT deleted; deleting any 2 consecutive bases within chr4:122,742,360-122,742,362 gives the same sequence; the c. name uses the placement nearest the transcript's 3' end. VCF-style (leftmost placement, unchanged base first): chr4-122742359-GTT-G. GRCh37 (hg19) VCF-style: chr4-123663514-GTT-G.
Other names: c.469_470del, p.Leu157fs (NM_001178007.2); short protein forms L157fs.
Identifiers: ClinVar variation 1455670 (VCV001455670.6), dbSNP rs2150736228, ClinGen allele CA2573138025.

ClinVar aggregate classification (germline): Pathogenic (1 of 4 stars; one submission).

Conditions:
Bardet-Biedl syndrome (BBS). Identifiers: Orphanet 110, MedGen C0752166, MONDO:0015229.

Submission:

Labcorp Genetics (formerly Invitae), Labcorp
Classification: Pathogenic for Bardet-Biedl syndrome. Last evaluated: 2021-07-30. Review status: criteria provided, single submitter. Criteria: Invitae Variant Classification Sherloc (09022015). Collection method: clinical testing. Allele origin: germline.
Comment: This variant disrupts a region of the BBS12 protein in which other variant(s) (p.Arg675*) have been determined to be pathogenic (PMID: 20827784, 21642631). This suggests that this is a clinically significant region of the protein, and that variants that disrupt it are likely to be disease-causing. For these reasons, this variant has been classified as Pathogenic. This variant has not been reported in the literature in individuals affected with BBS12-related conditions. This sequence change creates a premature translational stop signal (p.Leu157Valfs*11) in the BBS12 gene. While this is not anticipated to result in nonsense mediated decay, it is expected to disrupt the last 554 amino acid(s) of the BBS12 protein. This variant is not present in population databases (ExAC no frequency).

Literature cited by the submitters: PubMed 20827784; PubMed 21642631.